The following is an entry in ClinVar:

ClinVar aggregate classification (germline): Uncertain significance. Review status: criteria provided, multiple submitters, no conflicts (2 of 4 stars). 4 submissions from 3 submitters: Uncertain significance (4). Last evaluated 2023-11-14.

Conditions:
Charcot-Marie-Tooth disease dominant intermediate B (CMTDIB). Also called: CHARCOT-MARIE-TOOTH NEUROPATHY, DOMINANT INTERMEDIATE B; Charcot-Marie-Tooth disease dominant intermediate 1; CMT DI1; Charcot-Marie-Tooth disease dominant intermediate I. Identifiers: Orphanet 100044, Orphanet 228179, MedGen C1847902, MONDO:0011674, OMIM 606482.
Autosomal dominant centronuclear myopathy. Also called: MYOTUBULAR MYOPATHY, AUTOSOMAL DOMINANT; Myopathy, centronuclear, 3. Identifiers: Orphanet 169189, MedGen C4551952, MeSH D020914, MONDO:0008048, OMIM 160150.
Inborn genetic diseases. Identifiers: MedGen C0950123, MeSH D030342.

Allele frequency attached by ClinVar (database versions not stated): TOPMed below 0.00001; ExAC 0.00001; gnomAD 0.00001; gnomAD exomes 0.00001.
gnomAD v4.1: 7 of 1,614,020 alleles (0.00043%); highest among the groups gnomAD compares: East Asian, 0.0045%; no homozygotes.

Submissions (4):

Ambry Genetics
Classification: Uncertain significance for Inborn genetic diseases. Last evaluated: 2023-11-14. Review status: criteria provided, single submitter. Criteria: Ambry Variant Classification Scheme 2023. Collection method: clinical testing. Allele origin: germline.

Labcorp Genetics (formerly Invitae), Labcorp
Classification: Uncertain significance for Charcot-Marie-Tooth disease dominant intermediate B. Last evaluated: 2023-11-13. Review status: criteria provided, single submitter. Criteria: Invitae Variant Classification Sherloc (09022015). Collection method: clinical testing. Allele origin: germline.
Comment: This sequence change replaces threonine, which is neutral and polar, with methionine, which is neutral and non-polar, at codon 504 of the DNM2 protein (p.Thr504Met). This variant is present in population databases (rs759366882, gnomAD 0.006%). This variant has not been reported in the literature in individuals affected with DNM2-related conditions. ClinVar contains an entry for this variant (Variation ID: 888784). Advanced modeling of protein sequence and biophysical properties (such as structural, functional, and spatial information, amino acid conservation, physicochemical variation, residue mobility, and thermodynamic stability) has been performed at Invitae for this missense variant, however the output from this modeling did not meet the statistical confidence thresholds required to predict the impact of this variant on DNM2 protein function. In summary, the available evidence is currently insufficient to determine the role of this variant in disease. Therefore, it has been classified as a Variant of Uncertain Significance.

Illumina Laboratory Services, Illumina
Classification: Uncertain significance for Charcot-Marie-Tooth disease dominant intermediate B. Last evaluated: 2018-01-13. Review status: criteria provided, single submitter. Criteria: ICSL Variant Classification Criteria 13 December 2019. Collection method: clinical testing. Allele origin: germline.

Illumina Laboratory Services, Illumina
Classification: Uncertain significance for Autosomal dominant centronuclear myopathy. Last evaluated: 2018-01-13. Review status: criteria provided, single submitter. Criteria: ICSL Variant Classification Criteria 13 December 2019. Collection method: clinical testing. Allele origin: germline.

NM_001005361.3(DNM2):c.1511C>T (p.Thr504Met)

Gene: DNM2 (dynamin 2; plus strand). Cytogenetic location: 19p13.2.
Variant type: single nucleotide variant.
Coding change: c.1511C>T on transcript NM_001005361.3 (MANE Select); coding-DNA position 1511, C replaced by T.
Protein change: p.Thr504Met; replaces threonine 504 with methionine.
Molecular consequence: missense variant.
Genome position (GRCh38, 1-based): chr19:10,805,933, C>T. VCF-style: chr19-10805933-C-T. GRCh37 (hg19) VCF-style: chr19-10916609-C-T.
Other names: c.1511C>T, p.Thr504Met (NM_001005360.3, NM_001005362.3, NM_001190716.2 and 1 more transcripts); short protein forms T504M.
Identifiers: ClinVar variation 888784 (VCV000888784.8), dbSNP rs759366882, ClinGen allele CA9201209.
Genomic context (GRCh38, chr19:10,805,933, plus strand): 5'-CGGCATCTTGTCCACGTGAACCCTGTCTGTTCTTTGGTTTCAGTGCCCAGCAGAGGAGCA[C>T]GCAGCTGAACAAGAAGAGAGCCATCCCCAATCAGGTAGCACACCCCTCTGCAGTCTCCCG-3'
Protein context (NP_001005361.1, residues 494-514): IGFANAQQRS[Thr504Met]QLNKKRAIPN